The following is an entry in ClinVar:

ClinVar aggregate classification (germline): Uncertain significance (1 of 4 stars; one submission).

Submission:

Labcorp Genetics (formerly Invitae), Labcorp
Classification: Uncertain significance. Last evaluated: 2024-06-03. Review status: criteria provided, single submitter. Criteria: Invitae Variant Classification Sherloc (09022015). Collection method: clinical testing. Allele origin: germline.
Comment: This sequence change replaces isoleucine, which is neutral and non-polar, with methionine, which is neutral and non-polar, at codon 333 of the CFHR5 protein (p.Ile333Met). This variant is not present in population databases (gnomAD no frequency). This variant has not been reported in the literature in individuals affected with CFHR5-related conditions. Advanced modeling of protein sequence and biophysical properties (such as structural, functional, and spatial information, amino acid conservation, physicochemical variation, residue mobility, and thermodynamic stability) performed at Invitae indicates that this missense variant is not expected to disrupt CFHR5 protein function with a negative predictive value of 80%. In summary, the available evidence is currently insufficient to determine the role of this variant in disease. Therefore, it has been classified as a Variant of Uncertain Significance.

NM_030787.4(CFHR5):c.999A>G (p.Ile333Met)

Gene: CFHR5 (complement factor H related 5; plus strand). Cytogenetic location: 1q31.3.
Variant type: single nucleotide variant.
Coding change: c.999A>G on transcript NM_030787.4 (MANE Select); coding-DNA position 999, A replaced by G.
Protein change: p.Ile333Met; replaces isoleucine 333 with methionine.
Molecular consequence: missense variant.
Genome position (GRCh38, 1-based): chr1:196,998,156, A>G. VCF-style: chr1-196998156-A-G. GRCh37 (hg19) VCF-style: chr1-196967286-A-G.
Other names: short protein forms I333M.
Identifiers: ClinVar variation 2881272 (VCV002881272.3), dbSNP rs2526956411, ClinGen allele CA344007554.